The following is an entry in ClinVar:

NM_197968.4(ZMYM2):c.1039C>T (p.Arg347Ter)

Gene: ZMYM2 (zinc finger MYM-type containing 2; plus strand). Cytogenetic location: 13q12.11.
Variant type: single nucleotide variant.
Coding change: c.1039C>T on transcript NM_197968.4 (MANE Select); coding-DNA position 1039, C replaced by T.
Protein change: p.Arg347Ter; replaces arginine 347 with a stop codon.
Molecular consequence: nonsense. On other transcripts: non-coding transcript variant (1).
Genome position (GRCh38, 1-based): chr13:20,003,041, C>T. VCF-style: chr13-20003041-C-T. GRCh37 (hg19) VCF-style: chr13-20577181-C-T.
Other names: c.1039C>T (NM_003453.3, NM_003453.4); c.1039C>T, p.Arg347Ter (NM_001190964.4, NM_001190965.4, NM_001353157.2 and 5 more transcripts); c.844C>T, p.Arg282Ter (NM_001353161.3); c.778C>T, p.Arg260Ter (NM_001353163.2); short protein forms R260*, R282*, R347*.
Identifiers: ClinVar variation 2506120 (VCV002506120.5), dbSNP rs2502238593, ClinGen allele CA387669732.

ClinVar aggregate classification (germline): Pathogenic. Review status: criteria provided, multiple submitters, no conflicts (2 of 4 stars). 4 submissions from 4 submitters: Pathogenic (4). Last evaluated 2026-09-04.

Conditions:
Inborn genetic diseases. Identifiers: MedGen C0950123, MeSH D030342.
Neurodevelopmental-craniofacial syndrome with variable renal and cardiac abnormalities. Identifiers: MedGen C5561984, MONDO:0859190, OMIM 619522.

Allele frequency attached by ClinVar (database versions not stated): gnomAD exomes below 0.00001.
gnomAD v4.1: 1 of 1,614,184 alleles (0.000062%); highest among the groups gnomAD compares: Non-Finnish European, 0.000085%; no homozygotes.

Submissions (4):

Ambry Genetics
Classification: Pathogenic for Inborn genetic diseases. Last evaluated: 2026-09-04. Review status: criteria provided, single submitter. Criteria: Ambry Variant Classification Scheme 2023. Collection method: clinical testing. Allele origin: germline.
Comment: The c.1039C>T (p.R347*) alteration, located in exon 5 (coding exon 2) of the ZMYM2 gene, consists of a C to T substitution at nucleotide position 1039. This changes the amino acid from a arginine (R) to a stop codon at amino acid position 347. This variant is expected to result in loss of function by premature protein truncation or nonsense-mediated mRNA decay. This variant was not reported in population-based cohorts in the Genome Aggregation Database (gnomAD). This variant was determined to be de novo in at least one individual with features consistent with ZMYM2-related neurodevelopmental disorder (Politano, 2025). Based on the available evidence, this alteration is classified as pathogenic.

MVZ Medizinische Genetik Mainz
Classification: Pathogenic for Neurodevelopmental-craniofacial syndrome with variable renal and cardiac abnormalities. Last evaluated: 2026-05-15. Review status: criteria provided, single submitter. Criteria: UK Practice Guidelines For Variant Classification V4 01 2020. Collection method: clinical testing. Allele origin: germline. Inheritance: Autosomal dominant inheritance. Affected: yes. Observed: 1 variant allele.
Comment: ACMG Criteria: PVS1,PS4_MOD,PS2_SUP,PM2_SUP

GeneDx
Classification: Pathogenic. Last evaluated: 2026-02-20. Review status: criteria provided, single submitter. Criteria: GeneDx Variant Classification Process June 2021. Collection method: clinical testing. Allele origin: germline.
Comment: Not observed at significant frequency in large population cohorts (gnomAD); Nonsense variant predicted to result in protein truncation or nonsense mediated decay in a gene for which loss of function is a known mechanism of disease; This variant is associated with the following publications: (PMID: 33004838, 40112685, 28191889)

Women's Health and Genetics/Laboratory Corporation of America, LabCorp
Classification: Pathogenic for Neurodevelopmental-craniofacial syndrome with variable renal and cardiac abnormalities. Last evaluated: 2023-05-19. Review status: criteria provided, single submitter. Criteria: LabCorp Variant Classification Summary - May 2015. Collection method: clinical testing. Allele origin: germline.
Comment: Variant summary: ZMYM2 c.1039C>T (p.Arg347X) results in a premature termination codon, predicted to cause a truncation of the encoded protein or absence of the protein due to nonsense mediated decay, which are commonly known mechanisms for disease. The variant was absent in 251448 control chromosomes (gnomAD). c.1039C>T has been reported in the literature in an individual affected with an unspecified neurodevelopmental disorder (Stessman_2017, Wang_2020). To our knowledge, no experimental evidence demonstrating an impact on protein function has been reported. The following publications have been ascertained in the context of this evaluation (PMID: 28191889, 33004838). No clinical diagnostic laboratories have submitted clinical-significance assessments for this variant to ClinVar after 2014. Based on the evidence outlined above, the variant was classified as pathogenic.

Literature cited by the submitters: PubMed 40112685 (cited by Ambry Genetics); PubMed 28191889 (cited by Women's Health and Genetics/Laboratory Corporation of America, LabCorp); PubMed 33004838 (cited by Women's Health and Genetics/Laboratory Corporation of America, LabCorp).